The following is an entry in ClinVar:

ClinVar aggregate classification (germline): Uncertain significance (1 of 4 stars; one submission).

Allele frequency attached by ClinVar (database versions not stated): ExAC 0.00002; gnomAD exomes 0.00002.
gnomAD v4.1: 11 of 1,612,842 alleles (0.00068%); highest among the groups gnomAD compares: South Asian, 0.012%; no homozygotes.

Submission:

Labcorp Genetics (formerly Invitae), Labcorp
Classification: Uncertain significance. Last evaluated: 2020-12-23. Review status: criteria provided, single submitter. Criteria: Invitae Variant Classification Sherloc (09022015). Collection method: clinical testing. Allele origin: germline.
Comment: In summary, the available evidence is currently insufficient to determine the role of this variant in disease. Therefore, it has been classified as a Variant of Uncertain Significance. Advanced modeling of protein sequence and biophysical properties (such as structural, functional, and spatial information, amino acid conservation, physicochemical variation, residue mobility, and thermodynamic stability) performed at Invitae indicates that this missense variant is not expected to disrupt ROR2 protein function. This variant has not been reported in the literature in individuals with ROR2-related conditions. This variant is present in population databases (rs771198485, ExAC 0.02%). This sequence change replaces methionine with valine at codon 454 of the ROR2 protein (p.Met454Val). The methionine residue is highly conserved and there is a small physicochemical difference between methionine and valine.

NM_004560.4(ROR2):c.1360A>G (p.Met454Val)

Gene: ROR2 (receptor tyrosine kinase like orphan receptor 2; minus strand). Cytogenetic location: 9q22.31.
Variant type: single nucleotide variant.
Coding change: c.1360A>G on transcript NM_004560.4 (MANE Select); coding-DNA position 1360, A replaced by G.
Protein change: p.Met454Val; replaces methionine 454 with valine.
Molecular consequence: missense variant. On other transcripts: 3 prime UTR variant (1).
Genome position (GRCh38, 1-based): chr9:91,726,567, T>C on the plus strand (A>G on the coding strand, the complement: ROR2 is on the minus strand). VCF-style: chr9-91726567-T-C. GRCh37 (hg19) VCF-style: chr9-94488849-T-C.
Other names: c.*27A>G (NM_001318204.2); short protein forms M454V.
Identifiers: ClinVar variation 1471136 (VCV001471136.8), dbSNP rs771198485, ClinGen allele CA5120718.